The following is an entry in ClinVar:

ClinVar aggregate classification (germline): Uncertain significance (1 of 4 stars; one submission).

Allele frequency attached by ClinVar (database versions not stated): gnomAD exomes below 0.00001.
gnomAD v4.1: 2 of 1,612,740 alleles (0.00012%); highest among the groups gnomAD compares: Non-Finnish European, 0.000085%; no homozygotes.

Submission:

Ambry Genetics
Classification: Uncertain significance. Last evaluated: 2024-08-17. Review status: criteria provided, single submitter. Criteria: Ambry Variant Classification Scheme 2023. Collection method: clinical testing. Allele origin: germline.
Comment: The p.T895I variant (also known as c.2684C>T), located in coding exon 4 of the ALPK2 gene, results from a C to T substitution at nucleotide position 2684. The threonine at codon 895 is replaced by isoleucine, an amino acid with similar properties. This amino acid position is conserved. In addition, this alteration is predicted to be tolerated by in silico analysis. Since supporting evidence is limited at this time, the clinical significance of this alteration remains unclear.

NM_052947.4(ALPK2):c.2684C>T (p.Thr895Ile)

Gene: ALPK2 (alpha kinase 2; minus strand). Cytogenetic location: 18q21.31.
Variant type: single nucleotide variant.
Coding change: c.2684C>T on transcript NM_052947.4 (MANE Select); coding-DNA position 2684, C replaced by T.
Protein change: p.Thr895Ile; replaces threonine 895 with isoleucine.
Molecular consequence: missense variant.
Genome position (GRCh38, 1-based): chr18:58,537,503, G>A on the plus strand (C>T on the coding strand, the complement: ALPK2 is on the minus strand). VCF-style: chr18-58537503-G-A. GRCh37 (hg19) VCF-style: chr18-56204735-G-A.
Other names: short protein forms T895I.
Identifiers: ClinVar variation 1794706 (VCV001794706.3), dbSNP rs2518877375, ClinGen allele CA402570000.
Genomic context (GRCh38, chr18:58,537,503, plus strand): 5'-TCCACCTTGGCTAGATTTTCTCCTGTGGCACCTTCACTAGCTGTGTGTGAAATGTTCAAG[G>A]TGAAAGTACTGGTAAAAAGAGGGGACATGACTGAGTTGCCGTCCTTGCTGCTTTTGCACG-3'
Protein context (NP_443179.3, residues 885-905): VMSPLFTSTF[Thr895Ile]LNISHTASEG